The following is an entry in ClinVar:

NM_001100913.3(PACS2):c.2141C>T (p.Pro714Leu)

Gene: PACS2 (phosphofurin acidic cluster sorting protein 2; plus strand). Cytogenetic location: 14q32.33.
Variant type: single nucleotide variant.
Coding change: c.2141C>T on transcript NM_001100913.3 (MANE Select); coding-DNA position 2141, C replaced by T.
Protein change: p.Pro714Leu; replaces proline 714 with leucine.
Molecular consequence: missense variant.
Genome position (GRCh38, 1-based): chr14:105,391,652, C>T. VCF-style: chr14-105391652-C-T. GRCh37 (hg19) VCF-style: chr14-105857989-C-T.
Other names: c.1871C>T, p.Pro624Leu (NM_001243127.3); c.2096C>T, p.Pro699Leu (NM_015197.4); short protein forms P624L, P699L, P714L.
Identifiers: ClinVar variation 2644922 (VCV002644922.24), dbSNP rs1555414866, ClinGen allele CA391185736.

ClinVar aggregate classification (germline): Uncertain significance (1 of 4 stars; one submission).

Allele frequency attached by ClinVar (database versions not stated): gnomAD exomes below 0.00001.

Submission:

CeGaT Center for Human Genetics Tuebingen
Classification: Uncertain significance. Last evaluated: 2023-02-01. Review status: criteria provided, single submitter. Criteria: CeGaT Center For Human Genetics Tuebingen Variant Classification Criteria Version 2. Collection method: clinical testing. Allele origin: germline. Affected: yes. Observed: 1 variant allele.
Comment: PACS2: PM2